The following is an entry in ClinVar:

ClinVar aggregate classification (germline): Pathogenic. Review status: criteria provided, multiple submitters, no conflicts (2 of 4 stars). 2 submissions from 2 submitters: Pathogenic (2). Last evaluated 2021-08-02.

Conditions:
Intellectual disability, X-linked 102 (MRXSSB). Also called: Intellectual developmental disorder, X-linked syndromic, Snijders Blok type. Identifiers: Orphanet 457260, MedGen C5393299, MONDO:0010497, OMIM 300958.

Submissions (2):

Genetics and Molecular Pathology, SA Pathology
Classification: Pathogenic for Intellectual disability, X-linked 102. Last evaluated: 2021-08-02. Review status: criteria provided, single submitter. Criteria: ACMG Guidelines, 2015. Collection method: clinical testing. Allele origin: germline. Affected: yes.

GeneDx
Classification: Pathogenic. Last evaluated: 2016-10-25. Review status: criteria provided, single submitter. Criteria: GeneDx Variant Classification (06012015). Collection method: clinical testing. Allele origin: germline. Affected: yes.
Comment: The c.372_373delCA pathogenic variant in the DDX3X gene has not been reported previously as a pathogenic variantnor as a benign variant, to our knowledge. The c.372_373delCA variant causes a frameshift starting with codonAsparagine 124, changes this amino acid to a Lysine residue, and creates a premature Stop codon at position 5 of thenew reading frame, denoted p.Asn124LysfsX5. This variant is predicted to cause loss of normal protein function eitherthrough protein truncation or nonsense-mediated mRNA decay. The c.372_373delCA variant was not observed inapproximately 6500 individuals of European and African American ancestry in the NHLBI Exome SequencingProject, indicating it is not a common benign variant in these populations. We interpret c.372_373delCA as apathogenic variant.

NM_001356.5(DDX3X):c.372_373del (p.Asn124fs)

Gene: DDX3X (DEAD-box helicase 3 X-linked; plus strand). Cytogenetic location: Xp11.4.
Variant type: Deletion.
Coding change: c.372_373del on transcript NM_001356.5 (MANE Select); coding-DNA positions 372 to 373, 2 bases deleted (CA; older notation c.372_373delCA).
Protein change: p.Asn124fs; shifts the reading frame from asparagine 124.
Molecular consequence: frameshift variant. On other transcripts: 5 prime UTR variant (1), non-coding transcript variant (1).
Genome position (GRCh38, 1-based): chrX:41,342,582-41,342,583, CA deleted; deleting any 2 consecutive bases within chrX:41,342,581-41,342,583 gives the same sequence; the c. name uses the placement nearest the transcript's 3' end. VCF-style (leftmost placement, unchanged base first): chrX-41342580-AAC-A. GRCh37 (hg19) VCF-style: chrX-41201833-AAC-A.
Other names: c.372_373del, p.Asn124fs (NM_001193416.3); c.324_325del, p.Asn108fs (NM_001193417.3); c.-187_-186del (NM_001363819.1); short protein forms N108fs, N124fs.
Identifiers: ClinVar variation 373049 (VCV000373049.4), dbSNP rs1057518171, ClinGen allele CA16043273.